The following is an entry in ClinVar:

NM_003185.4(TAF4):c.1986C>T (p.Pro662=)

Gene: TAF4 (TATA-box binding protein associated factor 4; minus strand). Cytogenetic location: 20q13.33.
Variant type: single nucleotide variant.
Coding change: c.1986C>T on transcript NM_003185.4 (MANE Select); coding-DNA position 1986, C replaced by T.
Protein change: p.Pro662=; no amino-acid change (proline 662 retained).
Molecular consequence: synonymous variant.
Genome position (GRCh38, 1-based): chr20:62,006,747, G>A on the plus strand (C>T on the coding strand, the complement: TAF4 is on the minus strand). VCF-style: chr20-62006747-G-A. GRCh37 (hg19) VCF-style: chr20-60581803-G-A.
Identifiers: ClinVar variation 3777827 (VCV003777827.7).

ClinVar aggregate classification (germline): Likely benign (1 of 4 stars; one submission).

gnomAD v4.1: 1,032 of 1,523,610 alleles (0.068%); highest among the groups gnomAD compares: Non-Finnish European, 0.083%; 1 homozygote.

Submission:

CeGaT Center for Human Genetics Tuebingen
Classification: Likely benign. Last evaluated: 2025-03-01. Review status: criteria provided, single submitter. Criteria: CeGaT Center For Human Genetics Tuebingen Variant Classification Criteria Version 2. Collection method: clinical testing. Allele origin: germline. Affected: yes. Observed: 1 variant allele.
Comment: TAF4: BP4, BP7